The following is an entry in ClinVar:

ClinVar aggregate classification (germline): Uncertain significance (1 of 4 stars; one submission).

Allele frequency attached by ClinVar (database versions not stated): TOPMed below 0.00001.
gnomAD v4.1: 4 of 1,613,952 alleles (0.00025%); highest among the groups gnomAD compares: African/African-American, 0.0053%; no homozygotes.

Submission:

GeneDx
Classification: Uncertain significance. Last evaluated: 2025-05-22. Review status: criteria provided, single submitter. Criteria: GeneDx Variant Classification Process June 2021. Collection method: clinical testing. Allele origin: germline.
Comment: In silico analysis supports that this missense variant has a deleterious effect on protein structure/function; Has not been previously published as pathogenic or benign to our knowledge

NM_133433.4(NIPBL):c.7023A>C (p.Gln2341His)

Gene: NIPBL (NIPBL cohesin loading factor; plus strand). Cytogenetic location: 5p13.2.
Variant type: single nucleotide variant.
Coding change: c.7023A>C on transcript NM_133433.4 (MANE Select); coding-DNA position 7023, A replaced by C.
Protein change: p.Gln2341His; replaces glutamine 2341 with histidine.
Molecular consequence: missense variant.
Genome position (GRCh38, 1-based): chr5:37,051,847, A>C. VCF-style: chr5-37051847-A-C. GRCh37 (hg19) VCF-style: chr5-37051949-A-C.
Other names: c.7023A>C, p.Gln2341His (NM_015384.5); short protein forms Q2341H.
Identifiers: ClinVar variation 2662588 (VCV002662588.2), dbSNP rs781090000, ClinGen allele CA359510624.